The following is an entry in ClinVar:

ClinVar aggregate classification (germline): Benign/Likely benign. Review status: criteria provided, multiple submitters, no conflicts (2 of 4 stars). 3 submissions from 3 submitters: Benign (1); Likely benign (2). Last evaluated 2025-02-18.

Conditions:
Hereditary cancer-predisposing syndrome. Also called: Neoplastic Syndromes, Hereditary; Hereditary Cancer Syndrome; Hereditary neoplastic syndrome; Tumor predisposition. Identifiers: Orphanet 140162, MedGen C0027672, MeSH D009386, MONDO:0015356.
Fanconi anemia complementation group O. Also called: RAD51C-Related Fanconi Anemia. Identifiers: Orphanet 84, MedGen C3150653, MONDO:0013248, OMIM 613390.
Breast-ovarian cancer, familial, susceptibility to, 3. Also called: RAD51C-Related Breast/Ovarian Cancer. Identifiers: Orphanet 145, MedGen C3150659, MONDO:0013253, OMIM 613399.

Allele frequency attached by ClinVar (database versions not stated): TOPMed 0.00001.

Submissions (3):

Myriad Genetics, Inc.
Classification: Benign for Breast-ovarian cancer, familial, susceptibility to, 3. Last evaluated: 2025-02-18. Review status: criteria provided, single submitter. Criteria: Myriad Autosomal Dominant, Autosomal Recessive and X-Linked Classification Criteria (2023). Collection method: clinical testing. Allele origin: unknown.
Comment: This variant is considered benign. This variant is a silent/synonymous amino acid change and it is not expected to impact splicing.

Labcorp Genetics (formerly Invitae), Labcorp
Classification: Likely benign for Fanconi anemia complementation group O. Last evaluated: 2024-12-08. Review status: criteria provided, single submitter. Criteria: Invitae Variant Classification Sherloc (09022015). Collection method: clinical testing. Allele origin: germline.

Ambry Genetics
Classification: Likely benign for Hereditary cancer-predisposing syndrome. Last evaluated: 2020-03-13. Review status: criteria provided, single submitter. Criteria: Ambry Variant Classification Scheme 2023. Collection method: clinical testing. Allele origin: germline.

NM_058216.3(RAD51C):c.471T>C (p.Phe157=)

Gene: RAD51C (RAD51 paralog C; plus strand). Cytogenetic location: 17q22.
Variant type: single nucleotide variant.
Coding change: c.471T>C on transcript NM_058216.3 (MANE Select); coding-DNA position 471, T replaced by C.
Protein change: p.Phe157=; no amino-acid change (phenylalanine 157 retained).
Molecular consequence: synonymous variant.
Genome position (GRCh38, 1-based): chr17:58,696,759, T>C. VCF-style: chr17-58696759-T-C. GRCh37 (hg19) VCF-style: chr17-56774120-T-C.
Identifiers: ClinVar variation 1113999 (VCV001113999.12), dbSNP rs1422598357, ClinGen allele CA501074938.